The following is an entry in ClinVar:

ClinVar aggregate classification (germline): Uncertain significance (1 of 4 stars; one submission).

Conditions:
Ataxia-telangiectasia syndrome (AT). Also called: AT, COMPLEMENTATION GROUP C; Ataxia-telangiectasia, complementation group D; Cerebello-oculocutaneous telangiectasia; Immunodeficiency with ataxia telangiectasia; LOUIS-BAR SYNDROME; Ataxia telangiectasia (A-T). Identifiers: Orphanet 100, MedGen C0004135, MONDO:0008840, OMIM 208900.

Submission:

Labcorp Genetics (formerly Invitae), Labcorp
Classification: Uncertain significance for Ataxia-telangiectasia syndrome. Last evaluated: 2025-01-25. Review status: criteria provided, single submitter. Criteria: Invitae Variant Classification Sherloc (09022015). Collection method: clinical testing. Allele origin: germline.
Comment: This sequence change replaces lysine, which is basic and polar, with asparagine, which is neutral and polar, at codon 25 of the ATM protein (p.Lys25Asn). This variant is not present in population databases (gnomAD no frequency). This variant has not been reported in the literature in individuals affected with ATM-related conditions. An algorithm developed to predict the effect of missense changes on protein structure and function (PolyPhen-2) suggests that this variant is likely to be tolerated. In summary, the available evidence is currently insufficient to determine the role of this variant in disease. Therefore, it has been classified as a Variant of Uncertain Significance.

NM_000051.4(ATM):c.75A>T (p.Lys25Asn)

Gene: ATM (ATM serine/threonine kinase; plus strand). Cytogenetic location: 11q22.3.
Variant type: single nucleotide variant.
Coding change: c.75A>T on transcript NM_000051.4 (MANE Select); coding-DNA position 75, A replaced by T.
Protein change: p.Lys25Asn; replaces lysine 25 with asparagine.
Molecular consequence: missense variant.
Genome position (GRCh38, 1-based): chr11:108,227,778, A>T. VCF-style: chr11-108227778-A-T. GRCh37 (hg19) VCF-style: chr11-108098505-A-T.
Other names: c.75A>T, p.Lys25Asn (NM_001351834.2, NM_001351835.2, NM_001351836.2); short protein forms K25N.
Identifiers: ClinVar variation 4711879 (VCV004711879.1).